The following is an entry in ClinVar:

ClinVar aggregate classification (germline): Uncertain significance (1 of 4 stars; one submission).

Conditions:
Ellis-van Creveld syndrome (EVC). Also called: EVC2-Related Ellis-van Creveld Syndrome; EVC-Related Ellis-van Creveld Syndrome; Chondroectodermal dysplasia; MESOECTODERMAL DYSPLASIA. Identifiers: Orphanet 289, MedGen C0013903, MONDO:0009162, OMIM 225500.
Curry-Hall syndrome (WAD). Also called: WEYERS ACRODENTAL DYSOSTOSIS. Identifiers: Orphanet 952, MedGen C0457013, MONDO:0008673, OMIM 193530.

Allele frequency attached by ClinVar (database versions not stated): gnomAD exomes below 0.00001; ExAC 0.00001; gnomAD 0.00001; TOPMed 0.00001.

Submission:

Labcorp Genetics (formerly Invitae), Labcorp
Classification: Uncertain significance for Curry-Hall syndrome; Ellis-van Creveld syndrome. Last evaluated: 2022-08-06. Review status: criteria provided, single submitter. Criteria: Invitae Variant Classification Sherloc (09022015). Collection method: clinical testing. Allele origin: germline.
Comment: In summary, the available evidence is currently insufficient to determine the role of this variant in disease. Therefore, it has been classified as a Variant of Uncertain Significance. Algorithms developed to predict the effect of missense changes on protein structure and function are either unavailable or do not agree on the potential impact of this missense change (SIFT: "Deleterious"; PolyPhen-2: "Probably Damaging"; Align-GVGD: "Class C0"). This variant has not been reported in the literature in individuals affected with EVC2-related conditions. This variant is present in population databases (rs766240289, gnomAD 0.0009%). This sequence change replaces alanine, which is neutral and non-polar, with threonine, which is neutral and polar, at codon 263 of the EVC2 protein (p.Ala263Thr).

NM_147127.5(EVC2):c.787G>A (p.Ala263Thr)

Gene: EVC2 (EvC ciliary complex subunit 2; minus strand). Cytogenetic location: 4p16.2.
Variant type: single nucleotide variant.
Coding change: c.787G>A on transcript NM_147127.5 (MANE Select); coding-DNA position 787, G replaced by A.
Protein change: p.Ala263Thr; replaces alanine 263 with threonine.
Molecular consequence: missense variant.
Genome position (GRCh38, 1-based): chr4:5,685,399, C>T on the plus strand (G>A on the coding strand, the complement: EVC2 is on the minus strand). VCF-style: chr4-5685399-C-T. GRCh37 (hg19) VCF-style: chr4-5687126-C-T.
Other names: c.547G>A, p.Ala183Thr (NM_001166136.2); short protein forms A183T, A263T.
Identifiers: ClinVar variation 1715402 (VCV001715402.5), dbSNP rs766240289, ClinGen allele CA2835304.